The following is an entry in ClinVar:

NM_080473.5(GATA5):c.127C>G (p.Leu43Val)

Gene: GATA5 (GATA binding protein 5; minus strand). Cytogenetic location: 20q13.33.
Variant type: single nucleotide variant.
Coding change: c.127C>G on transcript NM_080473.5 (MANE Select); coding-DNA position 127, C replaced by G.
Protein change: p.Leu43Val; replaces leucine 43 with valine.
Molecular consequence: missense variant.
Genome position (GRCh38, 1-based): chr20:62,475,395, G>C on the plus strand (C>G on the coding strand, the complement: GATA5 is on the minus strand). VCF-style: chr20-62475395-G-C. GRCh37 (hg19) VCF-style: chr20-61050451-G-C.
Other names: short protein forms L43V.
Identifiers: ClinVar variation 2839588 (VCV002839588.3), dbSNP rs2516447435, ClinGen allele CA409557756.

ClinVar aggregate classification (germline): Uncertain significance (1 of 4 stars; one submission).

Submission:

Labcorp Genetics (formerly Invitae), Labcorp
Classification: Uncertain significance. Last evaluated: 2023-10-10. Review status: criteria provided, single submitter. Criteria: Invitae Variant Classification Sherloc (09022015). Collection method: clinical testing. Allele origin: germline.
Comment: This sequence change replaces leucine, which is neutral and non-polar, with valine, which is neutral and non-polar, at codon 43 of the GATA5 protein (p.Leu43Val). This variant is not present in population databases (gnomAD no frequency). This variant has not been reported in the literature in individuals affected with GATA5-related conditions. Advanced modeling of protein sequence and biophysical properties (such as structural, functional, and spatial information, amino acid conservation, physicochemical variation, residue mobility, and thermodynamic stability) performed at Invitae indicates that this missense variant is not expected to disrupt GATA5 protein function. In summary, the available evidence is currently insufficient to determine the role of this variant in disease. Therefore, it has been classified as a Variant of Uncertain Significance.